The following is an entry in ClinVar:

ClinVar aggregate classification (germline): Conflicting classifications of pathogenicity. Review status: criteria provided, conflicting classifications (1 of 4 stars). 2 submissions from 2 submitters: Likely pathogenic (1); Uncertain significance (1). Last evaluated 2026-03-03.

Conditions:
Hereditary nonpolyposis colorectal neoplasms. Identifiers: MedGen C0009405, MeSH D003123.
Hereditary cancer-predisposing syndrome. Also called: Tumor predisposition; Hereditary neoplastic syndrome; Hereditary Cancer Syndrome; Neoplastic Syndromes, Hereditary. Identifiers: Orphanet 140162, MedGen C0027672, MeSH D009386, MONDO:0015356.

Submissions (2):

Ambry Genetics
Classification: Likely pathogenic for Hereditary cancer-predisposing syndrome. Last evaluated: 2026-03-03. Review status: criteria provided, single submitter. Criteria: Ambry Variant Classification Scheme 2023. Collection method: clinical testing. Allele origin: germline.
Comment: The p.P1077Q variant (also known as c.3230C>A), located in coding exon 5 of the MSH6 gene, results from a C to A substitution at nucleotide position 3230. The proline at codon 1077 is replaced by glutamine, an amino acid with similar properties. This variant has been identified in a proband whose Lynch syndrome-associated tumor demonstrated loss of MSH6 expression by immunohistochemistry (Li S et al. J. Med. Genet. 2020 Jan;57:62-69; Ambry internal data). Based on internal structural analysis using published crystal structures, P1077Q is more destabilizing to the local structure of MSH6 than nearby pathogenic variants (Warren JJ et al. Mol. Cell, 2007 May;26:579-92). This amino acid position is highly conserved in available vertebrate species. In addition, this alteration is predicted to be deleterious by in silico analysis. This variant is considered to be rare based on population cohorts in the Genome Aggregation Database (gnomAD). Based on the majority of available evidence to date, this variant is likely to be pathogenic.

Labcorp Genetics (formerly Invitae), Labcorp
Classification: Uncertain significance for Hereditary nonpolyposis colorectal neoplasms. Last evaluated: 2025-05-19. Review status: criteria provided, single submitter. Criteria: Invitae Variant Classification Sherloc (09022015). Collection method: clinical testing. Allele origin: germline.
Comment: This sequence change replaces proline, which is neutral and non-polar, with glutamine, which is neutral and polar, at codon 1077 of the MSH6 protein (p.Pro1077Gln). This variant is not present in population databases (gnomAD no frequency). This missense change has been observed in individual(s) with clinical features of Lynch syndrome (PMID: 31391288). ClinVar contains an entry for this variant (Variation ID: 232532). Invitae Evidence Modeling of protein sequence and biophysical properties (such as structural, functional, and spatial information, amino acid conservation, physicochemical variation, residue mobility, and thermodynamic stability) indicates that this missense variant is expected to disrupt MSH6 protein function with a positive predictive value of 80%. In summary, the available evidence is currently insufficient to determine the role of this variant in disease. Therefore, it has been classified as a Variant of Uncertain Significance.

Literature cited by the submitters: PubMed 17531815 (cited by Ambry Genetics); PubMed 31391288 (cited by Ambry Genetics and Labcorp Genetics (formerly Invitae), Labcorp).

NM_000179.3(MSH6):c.3230C>A (p.Pro1077Gln)

Gene: MSH6 (mutS homolog 6; plus strand). Cytogenetic location: 2p16.3.
Variant type: single nucleotide variant.
Coding change: c.3230C>A on transcript NM_000179.3 (MANE Select); coding-DNA position 3230, C replaced by A.
Protein change: p.Pro1077Gln; replaces proline 1077 with glutamine.
Molecular consequence: missense variant.
Genome position (GRCh38, 1-based): chr2:47,803,477, C>A. VCF-style: chr2-47803477-C-A. GRCh37 (hg19) VCF-style: chr2-48030616-C-A.
Other names: c.2840C>A, p.Pro947Gln (NM_001281492.2); c.2324C>A, p.Pro775Gln (NM_001281493.2, NM_001281494.2); short protein forms P1077Q, P947Q, P775Q.
Identifiers: ClinVar variation 232532 (VCV000232532.12), dbSNP rs876659824, ClinGen allele CA10578134.